The following is an entry in ClinVar:

NM_024741.3(ZNF408):c.2065C>T (p.Pro689Ser)

Gene: ZNF408 (zinc finger protein 408; plus strand). Cytogenetic location: 11p11.2.
Variant type: single nucleotide variant.
Coding change: c.2065C>T on transcript NM_024741.3 (MANE Select); coding-DNA position 2065, C replaced by T.
Protein change: p.Pro689Ser; replaces proline 689 with serine.
Molecular consequence: missense variant.
Genome position (GRCh38, 1-based): chr11:46,705,765, C>T. VCF-style: chr11-46705765-C-T. GRCh37 (hg19) VCF-style: chr11-46727315-C-T.
Other names: c.2041C>T, p.Pro681Ser (NM_001184751.2); short protein forms P681S, P689S.
Identifiers: ClinVar variation 3621493 (VCV003621493.2).

ClinVar aggregate classification (germline): Uncertain significance (1 of 4 stars; one submission).

Submission:

Labcorp Genetics (formerly Invitae), Labcorp
Classification: Uncertain significance. Last evaluated: 2025-01-01. Review status: criteria provided, single submitter. Criteria: Invitae Variant Classification Sherloc (09022015). Collection method: clinical testing. Allele origin: germline.
Comment: This sequence change replaces proline, which is neutral and non-polar, with serine, which is neutral and polar, at codon 689 of the ZNF408 protein (p.Pro689Ser). This variant is not present in population databases (gnomAD no frequency). This variant has not been reported in the literature in individuals affected with ZNF408-related conditions. An algorithm developed to predict the effect of missense changes on protein structure and function (PolyPhen-2) suggests that this variant is likely to be tolerated. In summary, the available evidence is currently insufficient to determine the role of this variant in disease. Therefore, it has been classified as a Variant of Uncertain Significance.